The following is an entry in ClinVar:

NM_007294.4(BRCA1):c.5443T>C (p.Trp1815Arg)

Gene: BRCA1 (BRCA1 DNA repair associated; minus strand). Cytogenetic location: 17q21.31.
Variant type: single nucleotide variant.
Coding change: c.5443T>C on transcript NM_007294.4 (MANE Select); coding-DNA position 5443, T replaced by C.
Protein change: p.Trp1815Arg; replaces tryptophan 1815 with arginine.
Molecular consequence: missense variant. On other transcripts: non-coding transcript variant (1).
Genome position (GRCh38, 1-based): chr17:43,047,667, A>G on the plus strand (T>C on the coding strand, the complement: BRCA1 is on the minus strand). VCF-style: chr17-43047667-A-G. GRCh37 (hg19) VCF-style: chr17-41199684-A-G.
Other names: c.5230T>C, p.Trp1744Arg (NM_001407571.1, NM_001407906.1, NM_001407907.1 and 12 more transcripts); c.5509T>C, p.Trp1837Arg (NM_001407581.1, NM_001407582.1); c.5506T>C, p.Trp1836Arg (NM_001407583.1, NM_001407585.1, NM_001407587.1 and 1 more transcripts); c.5503T>C, p.Trp1835Arg (NM_001407590.1, NM_001407591.1); c.5443T>C, p.Trp1815Arg (NM_001407593.1, NM_001407594.1, NM_001407596.1 and 5 more transcripts); c.5440T>C, p.Trp1814Arg (NM_001407613.1, NM_001407614.1, NM_001407615.1 and 14 more transcripts); c.5437T>C, p.Trp1813Arg (NM_001407632.1, NM_001407633.1, NM_001407634.1 and 13 more transcripts); c.5365T>C, p.Trp1789Arg (NM_001407654.1, NM_001407655.1, NM_001407652.1 and 1 more transcripts); and 83 more; short protein forms W1815R, L686P, W1768R, W1836R, W711R, L1743P, L1790P, W1767R.
Identifiers: ClinVar variation 868497 (VCV000868497.3), dbSNP rs2050983659, ClinGen allele CA10590523.

Conditions:
Breast-ovarian cancer, familial, susceptibility to, 1 (BROVCA1). Also called: BRCA1 Hereditary Breast and Ovarian Cancer; OVARIAN CANCER, SUSCEPTIBILITY TO. Identifiers: Orphanet 145, MedGen C2676676, MONDO:0011450, OMIM 604370. Disease mechanism: loss of function.

Submission:

Brotman Baty Institute, University of Washington
No classification provided (evidence only). Condition: Breast-ovarian cancer, familial 1. Review status: no classification provided. Collection method: in vitro. Allele origin: not applicable. Functional consequence: functionally_normal.
ClinVar note: "not provided" was previously submitted as the classification for the variant. However, the classification appeared to be based only on an observation of functional data so it was converted to no classification on 2025-07-30.